The following is an entry in ClinVar:

NM_006231.4(POLE):c.5606A>C (p.Asn1869Thr)

Gene: POLE (DNA polymerase epsilon, catalytic subunit; minus strand). Cytogenetic location: 12q24.33.
Variant type: single nucleotide variant.
Coding change: c.5606A>C on transcript NM_006231.4 (MANE Select); coding-DNA position 5606, A replaced by C.
Protein change: p.Asn1869Thr; replaces asparagine 1869 with threonine.
Molecular consequence: missense variant.
Genome position (GRCh38, 1-based): chr12:132,638,086, T>G on the plus strand (A>C on the coding strand, the complement: POLE is on the minus strand). VCF-style: chr12-132638086-T-G. GRCh37 (hg19) VCF-style: chr12-133214672-T-G.
Other names: short protein forms N1869T.
Identifiers: ClinVar variation 1477951 (VCV001477951.6), dbSNP rs1397189983, ClinGen allele CA387374111.

ClinVar aggregate classification (germline): Uncertain significance (1 of 4 stars; one submission).

Submission:

Labcorp Genetics (formerly Invitae), Labcorp
Classification: Uncertain significance. Last evaluated: 2025-07-30. Review status: criteria provided, single submitter. Criteria: Invitae Variant Classification Sherloc (09022015). Collection method: clinical testing. Allele origin: germline.
Comment: This sequence change replaces asparagine, which is neutral and polar, with threonine, which is neutral and polar, at codon 1869 of the POLE protein (p.Asn1869Thr). This variant is not present in population databases (gnomAD no frequency). This variant has not been reported in the literature in individuals affected with POLE-related conditions. ClinVar contains an entry for this variant (Variation ID: 1477951). Invitae Evidence Modeling of protein sequence and biophysical properties (such as structural, functional, and spatial information, amino acid conservation, physicochemical variation, residue mobility, and thermodynamic stability) indicates that this missense variant is not expected to disrupt POLE protein function with a negative predictive value of 80%. In summary, the available evidence is currently insufficient to determine the role of this variant in disease. Therefore, it has been classified as a Variant of Uncertain Significance.